The following is an entry in ClinVar:

ClinVar aggregate classification (germline): Conflicting classifications of pathogenicity. Review status: criteria provided, conflicting classifications (1 of 4 stars). 2 submissions from 2 submitters: Uncertain significance (1); Likely benign (1). Last evaluated 2025-05-23.

Conditions:
Inborn genetic diseases. Identifiers: MedGen C0950123, MeSH D030342.

gnomAD v4.1: 8 of 1,611,722 alleles (0.0005%); highest among the groups gnomAD compares: African/African-American, 0.0013%; no homozygotes.

Submissions (2):

Women's Health and Genetics/Laboratory Corporation of America, LabCorp
Classification: Uncertain significance. Last evaluated: 2025-05-23. Review status: criteria provided, single submitter. Criteria: LabCorp Variant Classification Summary - May 2015. Collection method: clinical testing. Allele origin: germline.
Comment: Variant summary: B4GALT7 c.169G>A (p.Val57Met) results in a conservative amino acid change in the encoded protein sequence. Algorithms developed to predict the effect of missense changes on protein structure and function all suggest that this variant is likely to be tolerated. The variant was absent in 243014 control chromosomes. The available data on variant occurrences in the general population are insufficient to allow any conclusion about variant significance. To our knowledge, no occurrence of c.169G>A in individuals affected with Spondylodysplastic Ehlers-Danlos syndrome and no experimental evidence demonstrating its impact on protein function have been reported. ClinVar contains an entry for this variant (Variation ID: 3473635). Based on the evidence outlined above, the variant was classified as uncertain significance.

Ambry Genetics
Classification: Likely benign for Inborn genetic diseases. Last evaluated: 2024-10-07. Review status: criteria provided, single submitter. Criteria: Ambry Variant Classification Scheme 2023. Collection method: clinical testing. Allele origin: germline.

NM_007255.3(B4GALT7):c.169G>A (p.Val57Met)

Gene: B4GALT7 (beta-1,4-galactosyltransferase 7; plus strand). Cytogenetic location: 5q35.3.
Variant type: single nucleotide variant.
Coding change: c.169G>A on transcript NM_007255.3 (MANE Select); coding-DNA position 169, G replaced by A.
Protein change: p.Val57Met; replaces valine 57 with methionine.
Molecular consequence: missense variant.
Genome position (GRCh38, 1-based): chr5:177,604,297, G>A. VCF-style: chr5-177604297-G-A. GRCh37 (hg19) VCF-style: chr5-177031298-G-A.
Other names: short protein forms V57M.
Identifiers: ClinVar variation 3473635 (VCV003473635.2).